The following is an entry in ClinVar:

ClinVar aggregate classification (germline): Uncertain significance (1 of 4 stars; one submission).

Conditions:
Left ventricular noncompaction 8 (LVNC8). Identifiers: Orphanet 154, Orphanet 54260, MedGen C3809288, MONDO:0014152, OMIM 615373.

Submission:

Labcorp Genetics (formerly Invitae), Labcorp
Classification: Uncertain significance for Left ventricular noncompaction 8. Last evaluated: 2022-10-19. Review status: criteria provided, single submitter. Criteria: Invitae Variant Classification Sherloc (09022015). Collection method: clinical testing. Allele origin: germline.
Comment: In summary, the available evidence is currently insufficient to determine the role of this variant in disease. Therefore, it has been classified as a Variant of Uncertain Significance. Experimental studies and prediction algorithms are not available or were not evaluated, and the functional significance of this variant is currently unknown. This variant has not been reported in the literature in individuals affected with PRDM16-related conditions. This variant results in a copy number gain of the genomic region encompassing exon(s) 3 of the PRDM16 gene. While the exact position of this variant cannot be determined from the data, sub-genic copy number gains are generally in tandem (PMID: 25640679). This variant is predicted to be in-frame, and likely preserves the integrity of the reading frame.

Literature cited by the submitters: PubMed 25640679.

NC_000001.10:g.(?_3160631)_(3160721_?)dup

Gene: PRDM16 (PR/SET domain 16; plus strand). Cytogenetic location: 1p36.32.
Variant type: Duplication.
Identifiers: ClinVar variation 2426717 (VCV002426717.4).